The following is an entry in ClinVar:

ClinVar aggregate classification (germline): Uncertain significance (1 of 4 stars; one submission).

Conditions:
Maple syrup urine disease (MSUD). Identifiers: Orphanet 511, MedGen C0024776, MeSH D008375, MONDO:0009563. Disease mechanism: loss of function.

Submission:

Labcorp Genetics (formerly Invitae), Labcorp
Classification: Uncertain significance for Maple syrup urine disease. Last evaluated: 2021-12-02. Review status: criteria provided, single submitter. Criteria: Invitae Variant Classification Sherloc (09022015). Collection method: clinical testing. Allele origin: germline.
Comment: In summary, the available evidence is currently insufficient to determine the role of this variant in disease. Therefore, it has been classified as a Variant of Uncertain Significance. Algorithms developed to predict the effect of sequence changes on RNA splicing suggest that this variant may create or strengthen a splice site. Advanced modeling of protein sequence and biophysical properties (such as structural, functional, and spatial information, amino acid conservation, physicochemical variation, residue mobility, and thermodynamic stability) performed at Invitae indicates that this missense variant is not expected to disrupt DBT protein function. This variant has not been reported in the literature in individuals affected with DBT-related conditions. This variant is not present in population databases (gnomAD no frequency). This sequence change replaces valine, which is neutral and non-polar, with glycine, which is neutral and non-polar, at codon 223 of the DBT protein (p.Val223Gly).

NM_001918.5(DBT):c.668T>G (p.Val223Gly)

Gene: DBT (dihydrolipoamide branched chain transacylase E2; minus strand). Cytogenetic location: 1p21.2.
Variant type: single nucleotide variant.
Coding change: c.668T>G on transcript NM_001918.5 (MANE Select); coding-DNA position 668, T replaced by G.
Protein change: p.Val223Gly; replaces valine 223 with glycine.
Molecular consequence: missense variant.
Genome position (GRCh38, 1-based): chr1:100,216,087, A>C on the plus strand (T>G on the coding strand, the complement: DBT is on the minus strand). VCF-style: chr1-100216087-A-C. GRCh37 (hg19) VCF-style: chr1-100681643-A-C.
Other names: short protein forms V223G.
Identifiers: ClinVar variation 1376766 (VCV001376766.8), dbSNP rs772801811, ClinGen allele CA341338463.